The following is an entry in ClinVar:

NM_004525.3(LRP2):c.2987G>T (p.Arg996Leu)

Gene: LRP2 (LDL receptor related protein 2; minus strand). Cytogenetic location: 2q31.1.
Variant type: single nucleotide variant.
Coding change: c.2987G>T on transcript NM_004525.3 (MANE Select); coding-DNA position 2987, G replaced by T.
Protein change: p.Arg996Leu; replaces arginine 996 with leucine.
Molecular consequence: missense variant.
Genome position (GRCh38, 1-based): chr2:169,246,908, C>A on the plus strand (G>T on the coding strand, the complement: LRP2 is on the minus strand). VCF-style: chr2-169246908-C-A. GRCh37 (hg19) VCF-style: chr2-170103418-C-A.
Other names: short protein forms R996L.
Identifiers: ClinVar variation 393283 (VCV000393283.5), dbSNP rs201115003, ClinGen allele CA16603963.

ClinVar aggregate classification (germline): Uncertain significance. Review status: criteria provided, multiple submitters, no conflicts (2 of 4 stars). 3 submissions from 3 submitters: Uncertain significance (3). Last evaluated 2023-12-27.

Allele frequency attached by ClinVar (database versions not stated): TOPMed 0.00001; gnomAD 0.00003.
gnomAD v4.1: 10 of 1,614,044 alleles (0.00062%); highest among the groups gnomAD compares: African/African-American, 0.0027%; no homozygotes.

Submissions (3):

Labcorp Genetics (formerly Invitae), Labcorp
Classification: Uncertain significance. Last evaluated: 2023-12-27. Review status: criteria provided, single submitter. Criteria: Invitae Variant Classification Sherloc (09022015). Collection method: clinical testing. Allele origin: germline.
Comment: This sequence change replaces arginine, which is basic and polar, with leucine, which is neutral and non-polar, at codon 996 of the LRP2 protein (p.Arg996Leu). This variant is present in population databases (no rsID available, gnomAD 0.007%). This variant has not been reported in the literature in individuals affected with LRP2-related conditions. ClinVar contains an entry for this variant (Variation ID: 393283). Advanced modeling of protein sequence and biophysical properties (such as structural, functional, and spatial information, amino acid conservation, physicochemical variation, residue mobility, and thermodynamic stability) performed at Invitae indicates that this missense variant is not expected to disrupt LRP2 protein function with a negative predictive value of 80%. In summary, the available evidence is currently insufficient to determine the role of this variant in disease. Therefore, it has been classified as a Variant of Uncertain Significance.

GeneDx
Classification: Uncertain significance. Last evaluated: 2017-02-07. Review status: criteria provided, single submitter. Criteria: GeneDx Variant Classification (06012015). Collection method: clinical testing. Allele origin: germline. Affected: yes.
Comment: The R996L variant in the LRP2 gene has not been reported previously as a pathogenic variant, nor as a benign variant, to our knowledge. The R996L variant is not observed in large population cohorts (Lek et al., 2016; 1000 Genomes Consortium et al., 2015; Exome Variant Server). The R996L variant is a non-conservative amino acid substitution, which is likely to impact secondary protein structure as these residues differ in polarity, charge, size and/or other properties. This substitution occurs at a position that is conserved across species. In silico analysis predicts this variant is probably damaging to the protein structure/function. We interpret R996L as a variant of uncertain significance.

Breakthrough Genomics
Classification: Uncertain significance. Review status: criteria provided, single submitter. Criteria: ACMG Guidelines, 2015. Collection method: not provided. Allele origin: germline. Inheritance: Autosomal recessive inheritance. Affected: yes.